The following is an entry in ClinVar:

ClinVar aggregate classification (germline): Uncertain significance (1 of 4 stars; one submission).

Conditions:
Hereditary pancreatitis (PCTT). Also called: Hereditary chronic pancreatitis; PRSS1-Related Hereditary Pancreatitis. Identifiers: Orphanet 676, MedGen C0238339, MONDO:0008185, OMIM 167800.

Allele frequency attached by ClinVar (database versions not stated): TOPMed below 0.00001; gnomAD 0.00001.
gnomAD v4.1: 2 of 1,613,464 alleles (0.00012%); highest among the groups gnomAD compares: African/African-American, 0.0013%; no homozygotes.

Submission:

Ambry Genetics
Classification: Uncertain significance for Hereditary pancreatitis. Last evaluated: 2023-10-06. Review status: criteria provided, single submitter. Criteria: Ambry Variant Classification Scheme 2023. Collection method: clinical testing. Allele origin: germline.
Comment: The p.V3L variant (also known as c.7G>C), located in coding exon 1 of the SPINK1 gene, results from a G to C substitution at nucleotide position 7. The valine at codon 3 is replaced by leucine, an amino acid with highly similar properties. This amino acid position is conserved. In addition, this alteration is predicted to be tolerated by in silico analysis. Since supporting evidence is limited at this time, the clinical significance of this alteration remains unclear.

NM_001379610.1(SPINK1):c.7G>C (p.Val3Leu)

Gene: SPINK1 (serine peptidase inhibitor Kazal type 1; minus strand). Cytogenetic location: 5q32.
Variant type: single nucleotide variant.
Coding change: c.7G>C on transcript NM_001379610.1 (MANE Select); coding-DNA position 7, G replaced by C.
Protein change: p.Val3Leu; replaces valine 3 with leucine.
Molecular consequence: missense variant.
Genome position (GRCh38, 1-based): chr5:147,831,571, C>G on the plus strand (G>C on the coding strand, the complement: SPINK1 is on the minus strand). VCF-style: chr5-147831571-C-G. GRCh37 (hg19) VCF-style: chr5-147211134-C-G.
Other names: c.7G>C, p.Val3Leu (NM_001354966.2, NM_003122.5); short protein forms V3L.
Identifiers: ClinVar variation 3223138 (VCV003223138.1), dbSNP rs1463001478, ClinGen allele CA361885577.
Genomic context (GRCh38, chr5:147,831,571, plus strand): 5'-TGCAACACTTACCAGATAGACTCAACAGGGCCAAGGCACTGAGAAGAAAGATGCCTGTTA[C>G]CTTCATGGCTGAAGTTCTGCGTCCAGAGGTCAGTTGAAAACTGCACCGCACTTACCACGT-3'
Protein context (NP_001366539.1, residues 1-13): MK[Val3Leu]TGIFLLSALA